The following is an entry in ClinVar:

ClinVar aggregate classification (germline): Uncertain significance. Review status: criteria provided, multiple submitters, no conflicts (2 of 4 stars). 2 submissions from 2 submitters: Uncertain significance (2). Last evaluated 2025-04-13.

Conditions:
Inborn genetic diseases. Identifiers: MedGen C0950123, MeSH D030342.

Allele frequency attached by ClinVar (database versions not stated): gnomAD exomes below 0.00001; gnomAD 0.00001; ExAC 0.00002.

Submissions (2):

Ambry Genetics
Classification: Uncertain significance for Inborn genetic diseases. Last evaluated: 2025-04-13. Review status: criteria provided, single submitter. Criteria: Ambry Variant Classification Scheme 2023. Collection method: clinical testing. Allele origin: germline.

GeneDx
Classification: Uncertain significance. Last evaluated: 2019-08-09. Review status: criteria provided, single submitter. Criteria: GeneDx Variant Classification Process June 2021. Collection method: clinical testing. Allele origin: germline. Affected: yes.
Comment: Not observed at a significant frequency in large population cohorts (Lek et al., 2016); In silico analysis, which includes protein predictors and evolutionary conservation, supports that this variant does not alter protein structure/function; Has not been previously published as pathogenic or benign to our knowledge

NM_018896.5(CACNA1G):c.1324T>C (p.Tyr442His)

Gene: CACNA1G (calcium voltage-gated channel subunit alpha1 G; plus strand). Cytogenetic location: 17q21.33.
Variant type: single nucleotide variant.
Coding change: c.1324T>C on transcript NM_018896.5 (MANE Select); coding-DNA position 1324, T replaced by C.
Protein change: p.Tyr442His; replaces tyrosine 442 with histidine.
Molecular consequence: missense variant. On other transcripts: non-coding transcript variant (5).
Genome position (GRCh38, 1-based): chr17:50,575,726, T>C. VCF-style: chr17-50575726-T-C. GRCh37 (hg19) VCF-style: chr17-48653087-T-C.
Other names: c.1324T>C, p.Tyr442His (NM_001256324.2, NM_001256325.2, NM_001256326.2 and 24 more transcripts); c.1324T>C (NM_018896.3); short protein forms Y442H.
Identifiers: ClinVar variation 1307618 (VCV001307618.3), dbSNP rs769512694, ClinGen allele CA8652150.